The following is an entry in ClinVar:

NM_002890.3(RASA1):c.1049+2T>A

Genes: CCNH (cyclin H; minus strand), RASA1 (RAS p21 protein activator 1; plus strand). Cytogenetic location: 5q14.3.
Variant type: single nucleotide variant.
Coding change: c.1049+2T>A on transcript NM_002890.3 (MANE Select); the canonical splice donor site of the intron after coding-DNA position 1049, T replaced by A.
Molecular consequence: splice donor variant. On other transcripts: intron variant (1).
Genome position (GRCh38, 1-based): chr5:87,341,323, T>A. VCF-style: chr5-87341323-T-A. GRCh37 (hg19) VCF-style: chr5-86637140-T-A.
Other names: c.518+2T>A (NM_022650.3); c.934-28528A>T (NM_001364075.2).
Identifiers: ClinVar variation 3725371 (VCV003725371.2).

ClinVar aggregate classification (germline): Likely pathogenic (1 of 4 stars; one submission).

Conditions:
Capillary malformation-arteriovenous malformation syndrome. Also called: Capillary malformation-arteriovenous malformation. Identifiers: Orphanet 137667, MedGen C1842180, MONDO:0012016.

Submission:

Labcorp Genetics (formerly Invitae), Labcorp
Classification: Likely pathogenic for Capillary malformation-arteriovenous malformation syndrome. Last evaluated: 2024-11-16. Review status: criteria provided, single submitter. Criteria: Invitae Variant Classification Sherloc (09022015). Collection method: clinical testing. Allele origin: germline.
Comment: This sequence change affects a donor splice site in intron 6 of the RASA1 gene. It is expected to disrupt RNA splicing. Variants that disrupt the donor or acceptor splice site typically lead to a loss of protein function (PMID: 16199547), and loss-of-function variants in RASA1 are known to be pathogenic (PMID: 24038909). This variant is not present in population databases (gnomAD no frequency). This variant has not been reported in the literature in individuals affected with RASA1-related conditions. Algorithms developed to predict the effect of sequence changes on RNA splicing suggest that this variant may disrupt the consensus splice site. In summary, the currently available evidence indicates that the variant is pathogenic, but additional data are needed to prove that conclusively. Therefore, this variant has been classified as Likely Pathogenic.

Literature cited by the submitters: PubMed 16199547; PubMed 24038909.